The following is an entry in ClinVar:

NM_003579.4(RAD54L):c.712A>G (p.Ile238Val)

Gene: RAD54L (RAD54 like; plus strand). Cytogenetic location: 1p34.1.
Variant type: single nucleotide variant.
Coding change: c.712A>G on transcript NM_003579.4 (MANE Select); coding-DNA position 712, A replaced by G.
Protein change: p.Ile238Val; replaces isoleucine 238 with valine.
Molecular consequence: missense variant.
Genome position (GRCh38, 1-based): chr1:46,260,961, A>G. VCF-style: chr1-46260961-A-G. GRCh37 (hg19) VCF-style: chr1-46726633-A-G.
Other names: c.712A>G, p.Ile238Val (NM_001142548.2); c.172A>G, p.Ile58Val (NM_001370766.1); short protein forms I238V, I58V.
Identifiers: ClinVar variation 3312455 (VCV003312455.1).

ClinVar aggregate classification (germline): Uncertain significance (1 of 4 stars; one submission).

Submission:

Ambry Genetics
Classification: Uncertain significance. Last evaluated: 2024-04-05. Review status: criteria provided, single submitter. Criteria: Ambry Variant Classification Scheme 2023. Collection method: clinical testing. Allele origin: germline.
Comment: The p.I238V variant (also known as c.712A>G), located in coding exon 7 of the RAD54L gene, results from an A to G substitution at nucleotide position 712. The isoleucine at codon 238 is replaced by valine, an amino acid with highly similar properties. This amino acid position is conserved. In addition, this alteration is predicted to be tolerated by in silico analysis. Based on the available evidence, the clinical significance of this variant remains unclear.